The following is an entry in ClinVar:

ClinVar aggregate classification (germline): Uncertain significance (1 of 4 stars; one submission).

Conditions:
Severe combined immunodeficiency due to CORO1A deficiency. Also called: Immunodeficiency 8; IMMUNODEFICIENCY 8 WITH LYMPHOPROLIFERATION. Identifiers: Orphanet 228003, MedGen C3809383, MONDO:0014168, OMIM 615401.

Allele frequency attached by ClinVar (database versions not stated): gnomAD 0.00001; gnomAD exomes 0.00001; TOPMed 0.00001; ESP Exome Variant Server 0.00008.

Submission:

Labcorp Genetics (formerly Invitae), Labcorp
Classification: Uncertain significance for Severe combined immunodeficiency due to CORO1A deficiency. Last evaluated: 2022-05-10. Review status: criteria provided, single submitter. Criteria: Invitae Variant Classification Sherloc (09022015). Collection method: clinical testing. Allele origin: germline.
Comment: This sequence change replaces arginine, which is basic and polar, with cysteine, which is neutral and slightly polar, at codon 216 of the CORO1A protein (p.Arg216Cys). This variant is not present in population databases (gnomAD no frequency). This variant has not been reported in the literature in individuals affected with CORO1A-related conditions. Algorithms developed to predict the effect of missense changes on protein structure and function are either unavailable or do not agree on the potential impact of this missense change (SIFT: "Deleterious"; PolyPhen-2: "Benign"; Align-GVGD: "Class C15"). In summary, the available evidence is currently insufficient to determine the role of this variant in disease. Therefore, it has been classified as a Variant of Uncertain Significance.

NM_007074.4(CORO1A):c.646C>T (p.Arg216Cys)

Genes: CORO1A (coronin 1A; plus strand), LOC121587541 (Sharpr-MPRA regulatory region 7413; plus strand). Cytogenetic location: 16p11.2.
Variant type: single nucleotide variant.
Coding change: c.646C>T on transcript NM_007074.4 (MANE Select); coding-DNA position 646, C replaced by T.
Protein change: p.Arg216Cys; replaces arginine 216 with cysteine.
Molecular consequence: missense variant.
Genome position (GRCh38, 1-based): chr16:30,187,391, C>T. VCF-style: chr16-30187391-C-T. GRCh37 (hg19) VCF-style: chr16-30198712-C-T.
Other names: c.646C>T, p.Arg216Cys (NM_001193333.3); short protein forms R216C.
Identifiers: ClinVar variation 2091056 (VCV002091056.1), dbSNP rs377504027, ClinGen allele CA280450198.